The following is an entry in ClinVar:

NM_004525.3(LRP2):c.8228C>T (p.Pro2743Leu)

Gene: LRP2 (LDL receptor related protein 2; minus strand). Cytogenetic location: 2q31.1.
Variant type: single nucleotide variant.
Coding change: c.8228C>T on transcript NM_004525.3 (MANE Select); coding-DNA position 8228, C replaced by T.
Protein change: p.Pro2743Leu; replaces proline 2743 with leucine.
Molecular consequence: missense variant.
Genome position (GRCh38, 1-based): chr2:169,201,852, G>A on the plus strand (C>T on the coding strand, the complement: LRP2 is on the minus strand). VCF-style: chr2-169201852-G-A. GRCh37 (hg19) VCF-style: chr2-170058362-G-A.
Other names: short protein forms P2743L.
Identifiers: ClinVar variation 893788 (VCV000893788.15), dbSNP rs545645633, ClinGen allele CA1953904.

ClinVar aggregate classification (germline): Conflicting classifications of pathogenicity. Review status: criteria provided, conflicting classifications (1 of 4 stars). 5 submissions from 5 submitters: Uncertain significance (1); Benign (1); Likely benign (3). Last evaluated 2026-01-26.

Conditions:
LRP2-related disorder. Also called: LRP2-related condition.
Donnai-Barrow syndrome. Also called: DBS/FOAR SYNDROME; FACIOOCULOACOUSTICORENAL SYNDROME. Identifiers: Orphanet 2143, MedGen C1857277, MONDO:0009104, OMIM 222448.

Allele frequency attached by ClinVar (database versions not stated): gnomAD 0.00005 and 0.00046; TOPMed 0.00008; gnomAD exomes 0.00064 and 0.00123; ExAC 0.00139; 1000 Genomes Project 0.00339; 1000 Genomes Project 30x 0.00344.
gnomAD v4.1: 998 of 1,614,056 alleles (0.062%); highest among the groups gnomAD compares: South Asian, 1%; 8 homozygotes.

Submissions (5):

Labcorp Genetics (formerly Invitae), Labcorp
Classification: Benign. Last evaluated: 2026-01-26. Review status: criteria provided, single submitter. Criteria: Invitae Variant Classification Sherloc (09022015). Collection method: clinical testing. Allele origin: germline.

PreventionGenetics, part of Exact Sciences
Classification: Likely benign for LRP2-related condition. Last evaluated: 2025-08-05. Review status: criteria provided, single submitter. Criteria: ACMG Guidelines, 2015. Collection method: clinical testing. Allele origin: germline.
Comment: This variant is classified as likely benign based on ACMG/AMP sequence variant interpretation guidelines (Richards et al. 2015 PMID: 25741868, with internal and published modifications).

GeneDx
Classification: Uncertain significance. Last evaluated: 2024-12-20. Review status: criteria provided, single submitter. Criteria: GeneDx Variant Classification Process June 2021. Collection method: clinical testing. Allele origin: germline. Affected: yes.
Comment: In silico analysis supports that this missense variant has a deleterious effect on protein structure/function; Has not been previously published as pathogenic or benign to our knowledge

Blueprint Genetics
Classification: Likely benign. Last evaluated: 2024-10-31. Review status: criteria provided, single submitter. Criteria: ACMG Guidelines, 2015. Collection method: clinical testing. Allele origin: germline.

Illumina Laboratory Services, Illumina
Classification: Likely benign for Donnai-Barrow syndrome. Last evaluated: 2018-01-12. Review status: criteria provided, single submitter. Criteria: ICSL Variant Classification Criteria 13 December 2019. Collection method: clinical testing. Allele origin: germline.
Comment: This variant was observed in the ICSL laboratory as part of a predisposition screen in an ostensibly healthy population. It had not been previously curated by ICSL or reported in the Human Gene Mutation Database (HGMD: prior to June 1st, 2018), and was therefore a candidate for classification through an automated scoring system. Utilizing variant allele frequency, disease prevalence and penetrance estimates, and inheritance mode, an automated score was calculated to assess if this variant is too frequent to cause the disease. Based on the score and internal cut-off values, a variant classified as likely benign is not then subjected to further curation. The score for this variant resulted in a classification of likely benign for this disease.